The following is an entry in ClinVar:

ClinVar aggregate classification (germline): Likely benign (0 of 4 stars; one submission).

Conditions:
USP9Y-related disorder. Also called: USP9Y-related condition.

Allele frequency attached by ClinVar (database versions not stated): gnomAD exomes 0.00010; ExAC 0.00015; gnomAD 0.00018.
gnomAD v4.1: 51 of 393,190 alleles (0.013%); highest among the groups gnomAD compares: East Asian, 0.21%; no homozygotes.

Submission:

PreventionGenetics, part of Exact Sciences
Classification: Likely benign for USP9Y-related condition. Last evaluated: 2019-08-09. Review status: no assertion criteria provided. Collection method: clinical testing. Allele origin: germline.
Comment: This variant is classified as likely benign based on ACMG/AMP sequence variant interpretation guidelines (Richards et al. 2015 PMID: 25741868, with internal and published modifications).

NM_004654.4(USP9Y):c.1385C>G (p.Ser462Cys)

Gene: USP9Y (ubiquitin specific peptidase 9 Y-linked; plus strand). Cytogenetic location: Yq11.221.
Variant type: single nucleotide variant.
Coding change: c.1385C>G on transcript NM_004654.4 (MANE Select); coding-DNA position 1385, C replaced by G.
Protein change: p.Ser462Cys; replaces serine 462 with cysteine.
Molecular consequence: missense variant.
Genome position (GRCh38, 1-based): chrY:12,739,592, C>G. VCF-style: chrY-12739592-C-G. GRCh37 (hg19) VCF-style: chrY-14851526-C-G.
Other names: short protein forms S462C.
Identifiers: ClinVar variation 3034703 (VCV003034703.2), dbSNP rs3212291, ClinGen allele CA10573099.
Genomic context (GRCh38, chrY:12,739,592, plus strand): 5'-AACATGAAGCCATTGTGAAGAATGTACATGATCTGCTAGCAAAGTTGGCTTGGGATTTTT[C>G]TCCTGGACAACTTGATCATCTTTTTGATTGCTTTAAGGTAGTAGCTTGAATAGTAAAGTA-3'
Protein context (NP_004645.2, residues 452-472): DLLAKLAWDF[Ser462Cys]PGQLDHLFDC